The following is an entry in ClinVar:

ClinVar aggregate classification (germline): Uncertain significance (1 of 4 stars; one submission).

Conditions:
Myopathy, proximal, and ophthalmoplegia (CMYO6). Also called: MYOPATHY WITH CONGENITAL JOINT CONTRACTURES, OPHTHALMOPLEGIA, AND RIMMED VACUOLES; INCLUSION BODY MYOPATHY 3, AUTOSOMAL DOMINANT; CONGENITAL MYOPATHY 6 WITH OPHTHALMOPLEGIA. Identifiers: Orphanet 363677, Orphanet 79091, MedGen C1854106, MONDO:0011577, OMIM 605637.

Submission:

Labcorp Genetics (formerly Invitae), Labcorp
Classification: Uncertain significance for Myopathy, proximal, and ophthalmoplegia. Last evaluated: 2024-06-26. Review status: criteria provided, single submitter. Criteria: Invitae Variant Classification Sherloc (09022015). Collection method: clinical testing. Allele origin: germline.
Comment: This sequence change replaces arginine, which is basic and polar, with serine, which is neutral and polar, at codon 825 of the MYH2 protein (p.Arg825Ser). This variant is not present in population databases (gnomAD no frequency). This variant has not been reported in the literature in individuals affected with MYH2-related conditions. Advanced modeling of protein sequence and biophysical properties (such as structural, functional, and spatial information, amino acid conservation, physicochemical variation, residue mobility, and thermodynamic stability) performed at Invitae indicates that this missense variant is not expected to disrupt MYH2 protein function with a negative predictive value of 80%. In summary, the available evidence is currently insufficient to determine the role of this variant in disease. Therefore, it has been classified as a Variant of Uncertain Significance.

NM_017534.6(MYH2):c.2475A>T (p.Arg825Ser)

Genes: MYH2 (myosin heavy chain 2; minus strand), MYHAS (myosin heavy chain gene cluster antisense RNA; plus strand). Cytogenetic location: 17p13.1.
Variant type: single nucleotide variant.
Coding change: c.2475A>T on transcript NM_017534.6 (MANE Select); coding-DNA position 2475, A replaced by T.
Protein change: p.Arg825Ser; replaces arginine 825 with serine.
Molecular consequence: missense variant.
Genome position (GRCh38, 1-based): chr17:10,531,855, T>A on the plus strand (A>T on the coding strand, the complement: MYH2 is on the minus strand). VCF-style: chr17-10531855-T-A. GRCh37 (hg19) VCF-style: chr17-10435172-T-A.
Other names: c.2475A>T, p.Arg825Ser (NM_001100112.2); short protein forms R825S.
Identifiers: ClinVar variation 3630743 (VCV003630743.2).